The following is an entry in ClinVar:

ClinVar aggregate classification (germline): Uncertain significance (1 of 4 stars; one submission).

Conditions:
Long QT syndrome (LQTS). Identifiers: MedGen C0023976, MeSH D008133, MONDO:0002442. Disease mechanism: loss of function. Inheritance: Various modes of inheritance.

Submission:

Labcorp Genetics (formerly Invitae), Labcorp
Classification: Uncertain significance for Long QT syndrome. Last evaluated: 2019-09-02. Review status: criteria provided, single submitter. Criteria: Invitae Variant Classification Sherloc (09022015). Collection method: clinical testing. Allele origin: germline.
Comment: This sequence change replaces histidine with tyrosine at codon 403 of the ANK2 protein (p.His403Tyr). The histidine residue is highly conserved and there is a moderate physicochemical difference between histidine and tyrosine. In summary, the available evidence is currently insufficient to determine the role of this variant in disease. Therefore, it has been classified as a Variant of Uncertain Significance. Algorithms developed to predict the effect of missense changes on protein structure and function are either unavailable or do not agree on the potential impact of this missense change (SIFT: "Deleterious"; PolyPhen-2: "Possibly Damaging"; Align-GVGD: "Class C0"). This variant has not been reported in the literature in individuals with ANK2-related conditions. This variant is not present in population databases (ExAC no frequency).

NM_001148.6(ANK2):c.1207C>T (p.His403Tyr)

Gene: ANK2 (ankyrin 2; plus strand). Cytogenetic location: 4q26.
Variant type: single nucleotide variant.
Coding change: c.1207C>T on transcript NM_001148.6 (MANE Select); coding-DNA position 1207, C replaced by T.
Protein change: p.His403Tyr; replaces histidine 403 with tyrosine.
Molecular consequence: missense variant. On other transcripts: intron variant (5).
Genome position (GRCh38, 1-based): chr4:113,258,068, C>T. VCF-style: chr4-113258068-C-T. GRCh37 (hg19) VCF-style: chr4-114179224-C-T.
Other names: c.1144C>T, p.His382Tyr (NM_001127493.3, NM_001354239.2, NM_001354243.2 and 14 more transcripts); c.1207C>T, p.His403Tyr (NM_001354225.2, NM_001354228.2, NM_001354232.2 and 8 more transcripts); c.1252C>T, p.His418Tyr (NM_001354230.2, NM_001354231.2, NM_001354237.2 and 5 more transcripts); c.1120C>T, p.His374Tyr (NM_001354249.2, NM_001354260.2, NM_001354264.2 and 13 more transcripts); c.1165C>T, p.His389Tyr (NM_001354261.2, NM_001386147.1, NM_001386160.1); c.1195C>T, p.His399Tyr (NM_001386148.2, NM_001386186.2); c.1258C>T, p.His420Tyr (NM_001386174.1); c.1234C>T, p.His412Tyr (NM_001386175.1); and 4 more; short protein forms H403Y, H418Y, H374Y, H382Y, H389Y, H391Y, H399Y, H412Y.
Identifiers: ClinVar variation 957693 (VCV000957693.6), dbSNP rs2050499312, ClinGen allele CA357927614.